The following is an entry in ClinVar:

ClinVar aggregate classification (germline): Benign. Review status: criteria provided, multiple submitters, no conflicts (2 of 4 stars). 2 submissions from 2 submitters: Benign (2). Last evaluated 2018-01-12.

Conditions:
Hereditary spastic paraplegia 13 (SPG13). Also called: Spastic paraplegia 13; SPASTIC PARAPLEGIA 13, AUTOSOMAL DOMINANT. Identifiers: Orphanet 100994, MedGen C1854467, MONDO:0011532, OMIM 605280.

Allele frequency attached by ClinVar (database versions not stated): 1000 Genomes Project 0.00439; 1000 Genomes Project 30x 0.00500; TOPMed 0.00603.

Submissions (2):

Illumina Laboratory Services, Illumina
Classification: Benign for Hereditary spastic paraplegia 13. Last evaluated: 2018-01-12. Review status: criteria provided, single submitter. Criteria: ICSL Variant Classification Criteria 13 December 2019. Collection method: clinical testing. Allele origin: germline.
Comment: This variant was observed in the ICSL laboratory as part of a predisposition screen in an ostensibly healthy population. It had not been previously curated by ICSL or reported in the Human Gene Mutation Database (HGMD: prior to June 1st, 2018), and was therefore a candidate for classification through an automated scoring system. Utilizing variant allele frequency, disease prevalence and penetrance estimates, and inheritance mode, an automated score was calculated to assess if this variant is too frequent to cause the disease. Based on the score and internal cut-off values, a variant classified as benign is not then subjected to further curation. The score for this variant resulted in a classification of benign for this disease.

GeneDx
Classification: Benign. Last evaluated: 2014-06-06. Review status: criteria provided, single submitter. Criteria: GeneDx Variant Classification (06012015). Collection method: clinical testing. Allele origin: germline. Affected: yes.
Comment: This variant is considered likely benign or benign based on one or more of the following criteria: it is a conservative change, it occurs at a poorly conserved position in the protein, it is predicted to be benign by multiple in silico algorithms, and/or has population frequency not consistent with disease.

NM_002156.5(HSPD1):c.-3+15C>T

Genes: HSPD1 (heat shock protein family D (Hsp60) member 1; minus strand), LOC129935358 (ATAC-STARR-seq lymphoblastoid silent region 12213; plus strand). Cytogenetic location: 2q33.1.
Variant type: single nucleotide variant.
Coding change: c.-3+15C>T on transcript NM_002156.5 (MANE Select); 15 bases into the intron after 3 bases upstream of the start codon, C replaced by T.
Molecular consequence: intron variant.
Genome position (GRCh38, 1-based): chr2:197,499,767, G>A on the plus strand (C>T on the coding strand, the complement: HSPD1 is on the minus strand). VCF-style: chr2-197499767-G-A. GRCh37 (hg19) VCF-style: chr2-198364491-G-A.
Other names: c.-3+393C>T (NM_199440.2).
Identifiers: ClinVar variation 137560 (VCV000137560.5), dbSNP rs59701865, ClinGen allele CA291190.
Genomic context (GRCh38, chr2:197,499,767, plus strand): 5'-GCTGGACCGCAGAGGAGGAAGGCCCACTCGGGGGTCGCAGGAGCCGGGGGGAGGTGGTGC[G>A]GGAAGGCCGCGTACCTGCGGGGCGGCGGCAAGGCGTGCGCTCGGCGAGACAGGTCGTCGG-3'